The following is an entry in ClinVar:

ClinVar aggregate classification (germline): Pathogenic/Likely pathogenic. Review status: criteria provided, multiple submitters, no conflicts (2 of 4 stars). 10 submissions from 10 submitters: Pathogenic (5); Likely pathogenic (5). Last evaluated 2026-03-19.

Conditions:
Hereditary factor XI deficiency disease. Also called: Congenital factor XI deficiency; PLASMA THROMBOPLASTIN ANTECEDENT DEFICIENCY; PTA DEFICIENCY; ROSENTHAL SYNDROME. Identifiers: Orphanet 329, MedGen C0015523, MeSH D005173, MONDO:0012897, OMIM 612416.
Plasma factor XI deficiency.

Allele frequency attached by ClinVar (database versions not stated): TOPMed 0.00004; gnomAD 0.00006; ExAC 0.00007; gnomAD exomes 0.00007.
gnomAD v4.1: 35 of 1,613,826 alleles (0.0022%); highest among the groups gnomAD compares: Admixed American, 0.042%; no homozygotes.

Submissions (10):

Myriad Genetics, Inc.
Classification: Likely pathogenic for Hereditary factor XI deficiency disease. Last evaluated: 2026-03-19. Review status: criteria provided, single submitter. Criteria: Myriad Autosomal Dominant, Autosomal Recessive and X-Linked Classification Criteria (2023). Collection method: clinical testing. Allele origin: unknown.
Comment: NM_000128.3(F11):c.1288G>A(A430T) is a missense variant classified as likely pathogenic in the context of factor XI deficiency. A430T has been observed in cases with relevant disease (PMID: 18839438, 18446632, 18388506, 25681615, 27067486, 28748566, 40936146). Relevant functional assessments of this variant are not available in the literature. Internal structural analysis of the variant is supportive of pathogenicity. A430T has been observed in referenced population frequency databases. In summary, NM_000128.3(F11):c.1288G>A(A430T) is a missense variant that has internal structural support for pathogenicity and has been observed more frequently in cases with the relevant disease than in healthy populations. Please note: this variant was assessed in the context of healthy population screening.

Natera, Inc.
Classification: Likely pathogenic for Plasma factor XI deficiency. Last evaluated: 2025-10-15. Review status: criteria provided, single submitter. Criteria: Natera Variant Classification Schema (03/2026). Collection method: clinical testing. Allele origin: germline.
Comment: The c.1288G>A variant in F11 is a missense variant predicted to cause substitution of alanine to threonine at amino acid 430. This variant is rare in the general population with a frequency below the threshold expected for the associated phenotype(s). This variant has been observed in one or more individuals affected with the associated recessive disease, as either homozygous or compound heterozygous with a second variant (PMID: 40936146, 18839438, 18446632). This variant has been identified in one or more affected individual with a phenotype highly consistent with the associated gene (PMID: 18839438). Computational prediction algorithms indicate this variant is likely to affect gene or protein function. Given the available evidence, this variant is classified as Likely Pathogenic.

GeneDx
Classification: Likely pathogenic. Last evaluated: 2025-09-29. Review status: criteria provided, single submitter. Criteria: GeneDx Variant Classification Process June 2021. Collection method: clinical testing. Allele origin: germline. Affected: yes.
Comment: In silico analysis supports that this missense variant has a deleterious effect on protein structure/function; This variant is associated with the following publications: (PMID: 28748566, 18388506, 19652879, 37647632, 28615222, 18446632, 18839438, 31064749, 40936146, 25681615)

Mayo Clinic Laboratories, Mayo Clinic
Classification: Pathogenic. Last evaluated: 2025-07-29. Review status: criteria provided, single submitter. Criteria: ACMG Guidelines, 2015. Collection method: clinical testing. Allele origin: germline. Observed: 5 variant alleles.
Comment: PP3_strong, PM2_supporting, PM3, PS4

3billion
Classification: Pathogenic for Hereditary factor XI deficiency disease. Last evaluated: 2024-10-18. Review status: criteria provided, single submitter. Criteria: ACMG Guidelines, 2015. Collection method: clinical testing. Allele origin: germline. Affected: yes.
Comment: The variant is observed at an extremely low frequency in the gnomAD v4.1.0 dataset (total allele frequency: 0.002%). Predicted Consequence/Location: Missense variant In silico tool predictions suggest damaging effect of the variant on gene or gene product [REVEL: 0.94 (>=0.6, sensitivity 0.68 and specificity 0.92). The same nucleotide change resulting in the same amino acid change has been previously reported as pathogenic/likely pathogenic with strong evidence (ClinVar ID: VCV000291081 /PMID: 18388506). The variant has been reported to be in trans with a pathogenic variant as either compound heterozygous or homozygous in at least one similarly affected unrelated individual (PMID: 18388506, 18446632, 18839438, 25681615). Different missense changes at the same codon (p.Ala430Ser, p.Ala430Val) have been reported to be associated with F11 related disorder (ClinVar ID: VCV000011899, VCV002577222 /PMID: 10606881, 19652879). Therefore, this variant is classified as Pathogenic according to the recommendation of ACMG/AMP guideline.

Labcorp Genetics (formerly Invitae), Labcorp
Classification: Pathogenic. Last evaluated: 2024-03-17. Review status: criteria provided, single submitter. Criteria: Invitae Variant Classification Sherloc (09022015). Collection method: clinical testing. Allele origin: germline.
Comment: This sequence change replaces alanine, which is neutral and non-polar, with threonine, which is neutral and polar, at codon 430 of the F11 protein (p.Ala430Thr). This variant is present in population databases (rs753909969, gnomAD 0.05%). This missense change has been observed in individuals with autosomal recessive factor XI deficiency (PMID: 18388506, 18446632, 18839438, 25681615). This variant is also known as p.Ala412Thr. ClinVar contains an entry for this variant (Variation ID: 291081). Advanced modeling of protein sequence and biophysical properties (such as structural, functional, and spatial information, amino acid conservation, physicochemical variation, residue mobility, and thermodynamic stability) performed at Invitae indicates that this missense variant is expected to disrupt F11 protein function with a positive predictive value of 95%. For these reasons, this variant has been classified as Pathogenic.

Fulgent Genetics
Classification: Likely pathogenic for Hereditary factor XI deficiency disease. Last evaluated: 2021-10-22. Review status: criteria provided, single submitter. Criteria: ACMG Guidelines, 2015. Collection method: clinical testing. Allele origin: unknown.

NIHR Bioresource Rare Diseases, University of Cambridge
Classification: Pathogenic for Hereditary factor XI deficiency disease. Last evaluated: 2019-02-01. Review status: criteria provided, single submitter. Criteria: ACMG Guidelines, 2015. Collection method: research. Allele origin: unknown. Affected: yes. Observed: 1 compound heterozygote. Study: ThromboGenomics.

Eurofins Ntd Llc (ga)
Classification: Pathogenic. Last evaluated: 2016-09-01. Review status: criteria provided, single submitter. Criteria: EGL Classification Definitions 2015. Collection method: clinical testing. Allele origin: germline. Observed: 1 variant allele, 1 homozygote.

Juno Genomics, Hangzhou Juno Genomics, Inc
Classification: Likely pathogenic for Hereditary factor XI deficiency disease. Review status: criteria provided, single submitter. Criteria: ACMG Guidelines, 2015. Collection method: clinical testing. Allele origin: germline.
Comment: Absent from controls (or at extremely low frequency if recessive) in Genome Aggregation Database.;Multiple lines of computational evidence support a deleterious effect on the gene or gene product.;For recessive disorders, detected in trans with a pathogenic variant.;Patient's phenotype or family history is highly specific for a disease with a single genetic etiology.

Literature cited by the submitters: PubMed 18388506 (cited by 4 submitters); PubMed 18446632 (cited by 5 submitters); PubMed 18839438 (cited by 5 submitters); PubMed 25681615 (cited by 4 submitters); PubMed 27067486 (cited by Myriad Genetics, Inc.); PubMed 28748566 (cited by Myriad Genetics, Inc. and Mayo Clinic Laboratories, Mayo Clinic); PubMed 40936146 (cited by Myriad Genetics, Inc. and Natera, Inc.); PubMed 28615222 (cited by Mayo Clinic Laboratories, Mayo Clinic); PubMed 32166871 (cited by Mayo Clinic Laboratories, Mayo Clinic); PubMed 10606881 (cited by 3billion); PubMed 31064749 (cited by NIHR Bioresource Rare Diseases, University of Cambridge).

NM_000128.4(F11):c.1288G>A (p.Ala430Thr)

Gene: F11 (coagulation factor XI; plus strand). Cytogenetic location: 4q35.2.
Variant type: single nucleotide variant.
Coding change: c.1288G>A on transcript NM_000128.4 (MANE Select); coding-DNA position 1288, G replaced by A.
Protein change: p.Ala430Thr; replaces alanine 430 with threonine.
Molecular consequence: missense variant.
Genome position (GRCh38, 1-based): chr4:186,284,244, G>A. VCF-style: chr4-186284244-G-A. GRCh37 (hg19) VCF-style: chr4-187205398-G-A.
Other names: short protein forms A430T.
Identifiers: ClinVar variation 291081 (VCV000291081.23), dbSNP rs753909969, ClinGen allele CA3163944.